The following is an entry in ClinVar:

ClinVar aggregate classification (germline): Uncertain significance (1 of 4 stars; one submission).

Conditions:
Cardiovascular phenotype. Identifiers: MedGen CN230736.

Submission:

Ambry Genetics
Classification: Uncertain significance for Cardiovascular phenotype. Last evaluated: 2020-04-14. Review status: criteria provided, single submitter. Criteria: Ambry Variant Classification Scheme 2023. Collection method: clinical testing. Allele origin: germline.
Comment: The p.D676H variant (also known as c.2026G>C), located in coding exon 14 of the DSG2 gene, results from a G to C substitution at nucleotide position 2026. The aspartic acid at codon 676 is replaced by histidine, an amino acid with similar properties. This amino acid position is well conserved in available vertebrate species. In addition, the in silico prediction for this alteration is inconclusive. Since supporting evidence is limited at this time, the clinical significance of this alteration remains unclear.

NM_001943.5(DSG2):c.2026G>C (p.Asp676His)

Genes: DSG2 (desmoglein 2; plus strand), DSG2-AS1 (DSG2 antisense RNA 1; minus strand). Cytogenetic location: 18q12.1.
Variant type: single nucleotide variant.
Coding change: c.2026G>C on transcript NM_001943.5 (MANE Select); coding-DNA position 2026, G replaced by C.
Protein change: p.Asp676His; replaces aspartic acid 676 with histidine.
Molecular consequence: missense variant.
Genome position (GRCh38, 1-based): chr18:31,542,544, G>C. VCF-style: chr18-31542544-G-C. GRCh37 (hg19) VCF-style: chr18-29122507-G-C.
Other names: short protein forms D676H.
Identifiers: ClinVar variation 1784660 (VCV001784660.2), dbSNP rs2073274764, ClinGen allele CA402141061.